The following is an entry in ClinVar:

ClinVar aggregate classification (germline): Likely pathogenic (1 of 4 stars; one submission).

Conditions:
Dilated cardiomyopathy 1G (CMD1G). Identifiers: Orphanet 154, MedGen C1858763, MONDO:0011400, OMIM 604145.
Autosomal recessive limb-girdle muscular dystrophy type 2J (LGMDR10). Also called: Limb-girdle muscular dystrophy, type 2J; MUSCULAR DYSTROPHY, LIMB-GIRDLE, AUTOSOMAL RECESSIVE 10. Identifiers: Orphanet 140922, MedGen C1837342, MONDO:0012127, OMIM 608807.

Submission:

Labcorp Genetics (formerly Invitae), Labcorp
Classification: Likely pathogenic for Dilated cardiomyopathy 1G; Autosomal recessive limb-girdle muscular dystrophy type 2J. Last evaluated: 2023-02-27. Review status: criteria provided, single submitter. Criteria: Invitae Variant Classification Sherloc (09022015). Collection method: clinical testing. Allele origin: germline.
Comment: In summary, the currently available evidence indicates that the variant is pathogenic, but additional data are needed to prove that conclusively. Therefore, this variant has been classified as Likely Pathogenic. This variant is located in the A band of TTN (PMID: 25589632). Truncating variants in this region are significantly overrepresented in patients affected with dilated cardiomyopathy (PMID: 25589632). Truncating variants in this region have also been reported in individuals affected with autosomal recessive centronuclear myopathy (PMID: 23975875). This variant has not been reported in the literature in individuals affected with TTN-related conditions. This variant is not present in population databases (gnomAD no frequency). This sequence change creates a premature translational stop signal (p.Asn24951Ilefs*8) in the TTN gene. While this is not anticipated to result in nonsense mediated decay, it is expected to create a truncated TTN protein.

Literature cited by the submitters: PubMed 25589632; PubMed 23975875.

NM_001267550.2(TTN):c.74852del (p.Asn24951fs)

Genes: TTN-AS1 (TTN antisense RNA 1; plus strand), TTN (titin; minus strand). Cytogenetic location: 2q31.2.
Variant type: Deletion.
Coding change: c.74852del on transcript NM_001267550.2 (MANE Select); coding-DNA position 74852, one base deleted (A; older notation c.74852delA).
Protein change: p.Asn24951fs; shifts the reading frame from asparagine 24951.
Molecular consequence: frameshift variant.
Genome position (GRCh38, 1-based): chr2:178,571,280, T deleted on the plus strand (A on the coding strand, the reverse complement: TTN is on the minus strand); the first of 3 consecutive T bases (chr2:178,571,280-178,571,282); deleting any one gives the same sequence. VCF-style (leftmost placement, unchanged base first): chr2-178571279-AT-A. GRCh37 (hg19) VCF-style: chr2-179436006-AT-A.
Other names: c.69929del, p.Asn23310fs (NM_001256850.1); c.47657del, p.Asn15886fs (NM_003319.4); c.67148del, p.Asn22383fs (NM_133378.4); c.48032del, p.Asn16011fs (NM_133432.3); c.48233del, p.Asn16078fs (NM_133437.4); short protein forms N15886fs, N16078fs, N22383fs, N23310fs, N16011fs, N24951fs.
Identifiers: ClinVar variation 2944777 (VCV002944777.3), dbSNP rs2468487162, ClinGen allele CA2740096018.
Genomic context (GRCh38, chr2:178,571,279, plus strand): 5'-AGTTGTCTTAAACTTGGTTTGAGGAATAGGTGTTTTATTCAACTTAACCCAGAGGATGCT[AT>A]TTCTTTCCTTGCGTTCTAGATGATAGCCAATGACTCTACTTCCTCCATCACTGATTGGCT-3'